The following is an entry in ClinVar:

NM_182961.4(SYNE1):c.17825G>A (p.Arg5942His)

Gene: SYNE1 (spectrin repeat containing nuclear envelope protein 1; minus strand). Cytogenetic location: 6q25.2.
Variant type: single nucleotide variant.
Coding change: c.17825G>A on transcript NM_182961.4 (MANE Select); coding-DNA position 17825, G replaced by A.
Protein change: p.Arg5942His; replaces arginine 5942 with histidine.
Molecular consequence: missense variant.
Genome position (GRCh38, 1-based): chr6:152,293,985, C>T on the plus strand (G>A on the coding strand, the complement: SYNE1 is on the minus strand). VCF-style: chr6-152293985-C-T. GRCh37 (hg19) VCF-style: chr6-152615120-C-T.
Other names: c.17612G>A (NM_033071.3); c.17612G>A, p.Arg5871His (NM_033071.5); short protein forms R5942H, R5871H.
Identifiers: ClinVar variation 290210 (VCV000290210.15), dbSNP rs746220387, ClinGen allele CA4055122.

ClinVar aggregate classification (germline): Uncertain significance. Review status: criteria provided, multiple submitters, no conflicts (2 of 4 stars). 4 submissions from 4 submitters: Uncertain significance (4). Last evaluated 2022-08-16.

Conditions:
Autosomal recessive ataxia, Beauce type. Also called: Spinocerebellar ataxia, autosomal recessive 8; ATAXIA, RECESSIVE, OF BEAUCE; SYNE1 Deficiency; SYNE1-Related Autosomal Recessive Cerebellar Ataxia. Identifiers: Orphanet 88644, MedGen C1853116, MONDO:0012549, OMIM 610743.
Emery-Dreifuss muscular dystrophy 4, autosomal dominant (EDMD4). Also called: EMERY-DREIFUSS MUSCULAR DYSTROPHY 4 WITH VARIABLE FEATURES. Identifiers: Orphanet 261, MedGen C2751807, MONDO:0013071, OMIM 612998.

Allele frequency attached by ClinVar (database versions not stated): ExAC 0.00001; gnomAD exomes 0.00003 and 0.00004; gnomAD 0.00004; TOPMed 0.00004.
gnomAD v4.1: 56 of 1,613,998 alleles (0.0035%); highest among the groups gnomAD compares: South Asian, 0.025%; 1 homozygote.

Submissions (4):

Labcorp Genetics (formerly Invitae), Labcorp
Classification: Uncertain significance for Emery-Dreifuss muscular dystrophy 4, autosomal dominant; Autosomal recessive ataxia, Beauce type. Last evaluated: 2022-08-16. Review status: criteria provided, single submitter. Criteria: Invitae Variant Classification Sherloc (09022015). Collection method: clinical testing. Allele origin: germline.
Comment: In summary, the available evidence is currently insufficient to determine the role of this variant in disease. Therefore, it has been classified as a Variant of Uncertain Significance. Algorithms developed to predict the effect of missense changes on protein structure and function (SIFT, PolyPhen-2, Align-GVGD) all suggest that this variant is likely to be disruptive. ClinVar contains an entry for this variant (Variation ID: 290210). This variant has not been reported in the literature in individuals affected with SYNE1-related conditions. This variant is present in population databases (rs746220387, gnomAD 0.02%). This sequence change replaces arginine, which is basic and polar, with histidine, which is basic and polar, at codon 5871 of the SYNE1 protein (p.Arg5871His).

Revvity Omics, Revvity
Classification: Uncertain significance. Last evaluated: 2019-04-25. Review status: criteria provided, single submitter. Criteria: ACMG Guidelines, 2015. Collection method: clinical testing. Allele origin: germline.

Athena Diagnostics
Classification: Uncertain significance. Last evaluated: 2016-11-25. Review status: criteria provided, single submitter. Criteria: Athena Diagnostics Criteria. Collection method: clinical testing. Allele origin: germline.

Eurofins Ntd Llc (ga)
Classification: Uncertain significance. Last evaluated: 2016-08-08. Review status: criteria provided, single submitter. Criteria: EGL Classification Definitions 2015. Collection method: clinical testing. Allele origin: germline. Observed: 1 variant allele, 1 homozygote.